The following is an entry in ClinVar:

NM_006493.4(CLN5):c.464C>T (p.Ala155Val)

Gene: CLN5 (CLN5 lysosomal BMP synthase; plus strand). Cytogenetic location: 13q22.3.
Variant type: single nucleotide variant.
Coding change: c.464C>T on transcript NM_006493.4 (MANE Select); coding-DNA position 464, C replaced by T.
Protein change: p.Ala155Val; replaces alanine 155 with valine.
Molecular consequence: missense variant.
Genome position (GRCh38, 1-based): chr13:76,996,026, C>T. VCF-style: chr13-76996026-C-T. GRCh37 (hg19) VCF-style: chr13-77570161-C-T.
Other names: c.464C>T, p.Ala155Val (NM_001366624.2); short protein forms A155V.
Identifiers: ClinVar variation 1367835 (VCV001367835.8), dbSNP rs2154034734, ClinGen allele CA388309212.

ClinVar aggregate classification (germline): Uncertain significance (1 of 4 stars; one submission).

Conditions:
Neuronal ceroid lipofuscinosis. Also called: Neuronal Ceroid Lipofuscinoses. Identifiers: Orphanet 216, Orphanet 79263, MedGen C0027877, MONDO:0016295. Disease mechanism: loss of function.

Submission:

Labcorp Genetics (formerly Invitae), Labcorp
Classification: Uncertain significance for Neuronal ceroid lipofuscinosis. Last evaluated: 2021-07-15. Review status: criteria provided, single submitter. Criteria: Invitae Variant Classification Sherloc (09022015). Collection method: clinical testing. Allele origin: germline.
Comment: In summary, the available evidence is currently insufficient to determine the role of this variant in disease. Therefore, it has been classified as a Variant of Uncertain Significance. Algorithms developed to predict the effect of missense changes on protein structure and function are either unavailable or do not agree on the potential impact of this missense change (SIFT: "Deleterious"; PolyPhen-2: "Possibly Damaging"; Align-GVGD: "Class C0"). This variant has not been reported in the literature in individuals affected with CLN5-related conditions. This variant is not present in population databases (ExAC no frequency). This sequence change replaces alanine with valine at codon 204 of the CLN5 protein (p.Ala204Val). The alanine residue is highly conserved and there is a small physicochemical difference between alanine and valine.